The following is an entry in ClinVar:

ClinVar aggregate classification (germline): Uncertain significance (1 of 4 stars; one submission).

Allele frequency attached by ClinVar (database versions not stated): gnomAD exomes 0.00001; ExAC 0.00002; gnomAD 0.00003 and 0.00004; TOPMed 0.00004; ESP Exome Variant Server 0.00008.
gnomAD v4.1: 19 of 1,607,270 alleles (0.0012%); highest among the groups gnomAD compares: African/African-American, 0.015%; no homozygotes.

Submission:

Labcorp Genetics (formerly Invitae), Labcorp
Classification: Uncertain significance. Last evaluated: 2022-08-23. Review status: criteria provided, single submitter. Criteria: Invitae Variant Classification Sherloc (09022015). Collection method: clinical testing. Allele origin: germline.
Comment: This sequence change replaces isoleucine, which is neutral and non-polar, with valine, which is neutral and non-polar, at codon 381 of the POLG2 protein (p.Ile381Val). This variant is present in population databases (rs146731596, gnomAD 0.004%). This variant has not been reported in the literature in individuals affected with POLG2-related conditions. ClinVar contains an entry for this variant (Variation ID: 1418549). Algorithms developed to predict the effect of missense changes on protein structure and function output the following: SIFT: "Tolerated"; PolyPhen-2: "Benign"; Align-GVGD: "Class C0". The valine amino acid residue is found in multiple mammalian species, which suggests that this missense change does not adversely affect protein function. In summary, the available evidence is currently insufficient to determine the role of this variant in disease. Therefore, it has been classified as a Variant of Uncertain Significance.

NM_007215.4(POLG2):c.1141A>G (p.Ile381Val)

Genes: MILR1 (mast cell immunoglobulin like receptor 1; plus strand), POLG2 (DNA polymerase gamma 2, accessory subunit; minus strand). Cytogenetic location: 17q23.3.
Variant type: single nucleotide variant.
Coding change: c.1141A>G on transcript NM_007215.4 (MANE Select); coding-DNA position 1141, A replaced by G.
Protein change: p.Ile381Val; replaces isoleucine 381 with valine.
Molecular consequence: missense variant.
Genome position (GRCh38, 1-based): chr17:64,482,969, T>C on the plus strand (A>G on the coding strand, the complement: POLG2 is on the minus strand). VCF-style: chr17-64482969-T-C. GRCh37 (hg19) VCF-style: chr17-62479086-T-C.
Other names: short protein forms I381V.
Identifiers: ClinVar variation 1418549 (VCV001418549.7), dbSNP rs146731596, ClinGen allele CA8712819.